The following is an entry in ClinVar:

NM_003919.3(SGCE):c.546del (p.Gly185fs)

Genes: CASD1 (CAS1 domain containing 1; plus strand), SGCE (sarcoglycan epsilon; minus strand). Cytogenetic location: 7q21.3.
Variant type: Deletion.
Coding change: c.546del on transcript NM_003919.3 (MANE Select); coding-DNA position 546, one base deleted (C; older notation c.546delC).
Protein change: p.Gly185fs; shifts the reading frame from glycine 185.
Molecular consequence: frameshift variant.
Genome position (GRCh38, 1-based): chr7:94,618,874, G deleted on the plus strand (C on the coding strand, the reverse complement: SGCE is on the minus strand). VCF-style (leftmost placement, unchanged base first): chr7-94618873-AG-A. GRCh37 (hg19) VCF-style: chr7-94248185-AG-A.
Other names: c.546del, p.Gly185fs (NM_001099400.2, NM_001099401.2, NM_001346717.2); c.423del, p.Gly144fs (NM_001301139.2, NM_001362809.2); c.654del, p.Gly221fs (NM_001346713.2, NM_001346715.2); c.459del, p.Gly156fs (NM_001346719.2, NM_001362807.2); c.273del, p.Gly94fs (NM_001346720.2, NM_001362808.2); c.546delC (NM_003919.2); short protein forms G221fs, G144fs, G156fs, G94fs, G185fs.
Identifiers: ClinVar variation 817771 (VCV000817771.2), dbSNP rs1584638555, ClinGen allele CA915945359.
Genomic context (GRCh38, chr7:94,618,873, plus strand): 5'-ATGTGATGTTTATGGCGTTCAGGCGCTCTGGCTGCCACACATTTTTCACTGCGCCAAGAA[AG>A]TCTCCAAGAACCTCACTGGCCAACATTTCTTCTACATTCATATTCTTAATGAAGAATTCT-3'

ClinVar aggregate classification (germline): Pathogenic (1 of 4 stars; one submission).

Submission:

GeneDx
Classification: Pathogenic. Last evaluated: 2020-10-07. Review status: criteria provided, single submitter. Criteria: GeneDx Variant Classification Process June 2021. Collection method: clinical testing. Allele origin: germline. Affected: yes.
Comment: Frameshift variant predicted to result in protein truncation or nonsense mediated decay in a gene for which loss-of-function is a known mechanism of disease; Not observed in large population cohorts (Lek et al., 2016); Has not been previously published as pathogenic or benign to our knowledge